The following is an entry in ClinVar:

NM_025103.4(IFT74):c.251C>T (p.Thr84Met)

Gene: IFT74 (intraflagellar transport 74; plus strand). Cytogenetic location: 9p21.2.
Variant type: single nucleotide variant.
Coding change: c.251C>T on transcript NM_025103.4 (MANE Select); coding-DNA position 251, C replaced by T.
Protein change: p.Thr84Met; replaces threonine 84 with methionine.
Molecular consequence: missense variant.
Genome position (GRCh38, 1-based): chr9:26,978,258, C>T. VCF-style: chr9-26978258-C-T. GRCh37 (hg19) VCF-style: chr9-26978256-C-T.
Other names: c.251C>T, p.Thr84Met (NM_001099222.3, NM_001099223.3, NM_001099224.3 and 1 more transcripts); c.251C>T (NM_001099222.1, NM_025103.2); short protein forms T84M.
Identifiers: ClinVar variation 1503154 (VCV001503154.6), dbSNP rs370238286, ClinGen allele CA5014858.
Genomic context (GRCh38, chr9:26,978,258, plus strand): 5'-AAATCAAAGTTGCCCATCGCCCTGTAACACAACAAGGTTTGACTGGAATGAAAACTGGGA[C>T]GAAAGGTACCTATTTTAAGATAAGTATGACACTTGGGCCTGTGTTTTGTAAGAAATAAAT-3'
Protein context (NP_079379.2, residues 74-94): QQGLTGMKTG[Thr84Met]KGPQRQILDK

ClinVar aggregate classification (germline): Conflicting classifications of pathogenicity. Review status: criteria provided, conflicting classifications (1 of 4 stars). 3 submissions from 3 submitters: Uncertain significance (1); Likely benign (1). 1 of the submissions does not count toward it. Last evaluated 2022-08-31.

Conditions:
IFT74-related disorder. Also called: IFT74-related condition; IFT74-Related Disorders.
Inborn genetic diseases. Identifiers: MedGen C0950123, MeSH D030342.

Allele frequency attached by ClinVar (database versions not stated): TOPMed 0.00003; ExAC 0.00004; gnomAD exomes 0.00004 and 0.00006; ESP Exome Variant Server 0.00008.
gnomAD v4.1: 88 of 1,612,074 alleles (0.0055%); highest among the groups gnomAD compares: South Asian, 0.026%; 1 homozygote.

Submissions (3):

Labcorp Genetics (formerly Invitae), Labcorp
Classification: Uncertain significance. Last evaluated: 2022-08-31. Review status: criteria provided, single submitter. Criteria: Invitae Variant Classification Sherloc (09022015). Collection method: clinical testing. Allele origin: germline.
Comment: This sequence change replaces threonine, which is neutral and polar, with methionine, which is neutral and non-polar, at codon 84 of the IFT74 protein (p.Thr84Met). This variant is present in population databases (rs370238286, gnomAD 0.01%). This variant has not been reported in the literature in individuals affected with IFT74-related conditions. ClinVar contains an entry for this variant (Variation ID: 1503154). Algorithms developed to predict the effect of missense changes on protein structure and function output the following: SIFT: "Tolerated"; PolyPhen-2: "Benign"; Align-GVGD: "Class C0". The methionine amino acid residue is found in multiple mammalian species, which suggests that this missense change does not adversely affect protein function. In summary, the available evidence is currently insufficient to determine the role of this variant in disease. Therefore, it has been classified as a Variant of Uncertain Significance.

Ambry Genetics
Classification: Likely benign for Inborn genetic diseases. Last evaluated: 2022-01-26. Review status: criteria provided, single submitter. Criteria: Ambry Variant Classification Scheme 2023. Collection method: clinical testing. Allele origin: germline.

PreventionGenetics, part of Exact Sciences
Classification: Uncertain significance for IFT74-related condition. Last evaluated: 2024-05-31. Review status: no assertion criteria provided. Collection method: clinical testing. Allele origin: germline. Not counted in ClinVar's aggregate classification.
Comment: The IFT74 c.251C>T variant is predicted to result in the amino acid substitution p.Thr84Met. To our knowledge, this variant has not been reported in the literature. This variant is reported in 0.0066% of alleles in individuals of South Asian descent in gnomAD. At this time, the clinical significance of this variant is uncertain due to the absence of conclusive functional and genetic evidence.